The following is an entry in ClinVar:

NM_000534.5(PMS1):c.1363A>G (p.Lys455Glu)

Gene: PMS1 (PMS1 homolog 1, mismatch repair system component; plus strand). Cytogenetic location: 2q32.2.
Variant type: single nucleotide variant.
Coding change: c.1363A>G on transcript NM_000534.5 (MANE Select); coding-DNA position 1363, A replaced by G.
Protein change: p.Lys455Glu; replaces lysine 455 with glutamic acid.
Molecular consequence: missense variant. On other transcripts: non-coding transcript variant (1).
Genome position (GRCh38, 1-based): chr2:189,854,635, A>G. VCF-style: chr2-189854635-A-G. GRCh37 (hg19) VCF-style: chr2-190719361-A-G.
Other names: c.1246A>G, p.Lys416Glu (NM_001128143.2, NM_001321044.2); c.1363A>G, p.Lys455Glu (NM_001128144.2, NM_001321045.2, NM_001321047.2 and 1 more transcripts); c.835A>G, p.Lys279Glu (NM_001289408.2, NM_001289409.2); c.1180A>G, p.Lys394Glu (NM_001321046.2); short protein forms K279E, K394E, K416E, K455E.
Identifiers: ClinVar variation 3366309 (VCV003366309.2).

ClinVar aggregate classification (germline): Likely benign (1 of 4 stars; one submission).

Conditions:
Hereditary nonpolyposis colorectal neoplasms. Identifiers: MedGen C0009405, MeSH D003123.

gnomAD v4.1: 26 of 1,613,910 alleles (0.0016%); highest among the groups gnomAD compares: Middle Eastern, 0.016%; no homozygotes.

Submission:

Laboratorio De Regulación De La Expresión Génica Y Genómica De Cáncer, Departamento De Genética, Facultad De Medicina, Udelar
Classification: Likely benign for Hereditary nonpolyposis colorectal neoplasms. Last evaluated: 2023-07-18. Review status: criteria provided, single submitter. Criteria: ACMG Guidelines, 2015. Collection method: clinical testing. Allele origin: germline. Affected: yes. Observed: 1 heterozygote.
Comment: Classiffication based on ACMG guidelines. gnomAD AF: 0.000006569. Variant is predicted to be damaging by SIFT, but Polyphen and Mutation Taster classify it as Benign and Polymorphism. To date, none of them have had genetic testing.